The following is an entry in ClinVar:

ClinVar aggregate classification (germline): Uncertain significance. Review status: criteria provided, multiple submitters, no conflicts (2 of 4 stars). 3 submissions from 3 submitters: Uncertain significance (3). Last evaluated 2023-07-14.

Conditions:
Episodic ataxia type 2 (EA2). Also called: ATAXIA, EPISODIC, WITH NYSTAGMUS; ATAXIA, FAMILIAL PAROXYSMAL; CEREBELLAR ATAXIA, PAROXYSMAL, ACETAZOLAMIDE-RESPONSIVE; CEREBELLOPATHY, HEREDITARY PAROXYSMAL; EPISODIC ATAXIA, NYSTAGMUS-ASSOCIATED; ACETAZOLAMIDE-RESPONSIVE HEREDITARY PAROXYSMAL CEREBELLAR ATAXIA. Identifiers: Orphanet 97, MedGen C1720416, MONDO:0007163, OMIM 108500.
Developmental and epileptic encephalopathy, 42 (DEE42A). Also called: Epileptic encephalopathy, early infantile, 42; DEVELOPMENTAL AND EPILEPTIC ENCEPHALOPATHY 42A; EPILEPTIC ENCEPHALOPATHY, EARLY INFANTILE, 42A. Identifiers: MedGen C4310716, MONDO:0014917, OMIM 617106.

Allele frequency attached by ClinVar (database versions not stated): TOPMed below 0.00001.

Submissions (3):

Women's Health and Genetics/Laboratory Corporation of America, LabCorp
Classification: Uncertain significance. Last evaluated: 2023-07-14. Review status: criteria provided, single submitter. Criteria: LabCorp Variant Classification Summary - May 2015. Collection method: clinical testing. Allele origin: germline.
Comment: Variant summary: CACNA1A c.5056G>A (p.Val1686Met) results in a conservative amino acid change located in the Ion transport domain (IPR005821) of the encoded protein sequence. Four of five in-silico tools predict a damaging effect of the variant on protein function. The variant was absent in 249280 control chromosomes. c.5056G>A has been reported in the literature in settings of whole exome sequencing in individuals affected with clinical features of autosomal dominant Episodic Ataxia. At least one patient with a de novo occurrence of the variant reported focal epilepsy with childhood onset and mild developmental delay (e.g. Bayat_2022). Multiple individuals from a single family affected with atrial fibrillation reported additional neurological symptoms including ataxia, muscle cramps, or migraines, without evidence of causality for episodic ataxia (e.g. Vad_2022). At least one publication reports experimental evidence evaluating an impact on protein function. The most pronounced variant effect results in a modest decrease of calcium channel activity in vitro (e.g. Vad_2022). The following publications have been ascertained in the context of this evaluation (PMID: 35723786, 35154276). One submitter has cited clinical-significance assessments for this variant to ClinVar after 2014 and has classified the variant as uncertain significance. Based on the evidence outlined above, the variant was classified as VUS-possibly pathogenic.

Labcorp Genetics (formerly Invitae), Labcorp
Classification: Uncertain significance for Developmental and epileptic encephalopathy, 42; Episodic ataxia type 2. Last evaluated: 2023-05-29. Review status: criteria provided, single submitter. Criteria: Invitae Variant Classification Sherloc (09022015). Collection method: clinical testing. Allele origin: germline.
Comment: In summary, the available evidence is currently insufficient to determine the role of this variant in disease. Therefore, it has been classified as a Variant of Uncertain Significance. This sequence change replaces valine, which is neutral and non-polar, with methionine, which is neutral and non-polar, at codon 1686 of the CACNA1A protein (p.Val1686Met). This variant is not present in population databases (gnomAD no frequency). This missense change has been observed in individual(s) with CACNA1A-related conditions (PMID: 35723786; Invitae). ClinVar contains an entry for this variant (Variation ID: 1256606). Advanced modeling of protein sequence and biophysical properties (such as structural, functional, and spatial information, amino acid conservation, physicochemical variation, residue mobility, and thermodynamic stability) has been performed at Invitae for this missense variant, however the output from this modeling did not meet the statistical confidence thresholds required to predict the impact of this variant on CACNA1A protein function. Experimental studies have shown that this missense change affects CACNA1A function (PMID: 35154276).

Athena Diagnostics
Classification: Uncertain significance. Last evaluated: 2020-10-19. Review status: criteria provided, single submitter. Criteria: Athena Diagnostics criteria. Collection method: clinical testing. Allele origin: unknown.

Literature cited by the submitters: PubMed 35723786 (cited by Women's Health and Genetics/Laboratory Corporation of America, LabCorp and Labcorp Genetics (formerly Invitae), Labcorp); PubMed 35154276 (cited by Women's Health and Genetics/Laboratory Corporation of America, LabCorp and Labcorp Genetics (formerly Invitae), Labcorp).

NM_001127222.2(CACNA1A):c.5053G>A (p.Val1685Met)

Gene: CACNA1A (calcium voltage-gated channel subunit alpha1 A; minus strand). Cytogenetic location: 19p13.13.
Variant type: single nucleotide variant.
Coding change: c.5053G>A on transcript NM_001127222.2 (MANE Select); coding-DNA position 5053, G replaced by A.
Protein change: p.Val1685Met; replaces valine 1685 with methionine.
Molecular consequence: missense variant.
Genome position (GRCh38, 1-based): chr19:13,235,628, C>T on the plus strand (G>A on the coding strand, the complement: CACNA1A is on the minus strand). VCF-style: chr19-13235628-C-T. GRCh37 (hg19) VCF-style: chr19-13346442-C-T.
Other names: c.5071G>A, p.Val1691Met (NM_000068.4, NM_023035.3); c.5056G>A, p.Val1686Met (NM_001127221.2); c.5062G>A, p.Val1688Met (NM_001174080.2); c.5056G>A (NM_001127221.1); short protein forms V1685M, V1686M, V1688M, V1691M.
Identifiers: ClinVar variation 1256606 (VCV001256606.5), dbSNP rs1442400930, ClinGen allele CA404336589.
Genomic context (GRCh38, chr19:13,235,628, plus strand): 5'-CACCTGTCTTCTCAGCCCTGGGCCAGCAGCAGGGACGAGGACTCACCTTGAAGGACTGCA[C>T]AAAGGTCCAGAGAAGAATGCGGATGGTGTAACCCTGACGGAGAAGTTTGATGAGCCGGGC-3'
Protein context (NP_001120694.1, residues 1675-1695): YTIRILLWTF[Val1685Met]QSFKALPYVC